The following is an entry in ClinVar:

ClinVar aggregate classification (germline): Conflicting classifications of pathogenicity. Review status: criteria provided, conflicting classifications (1 of 4 stars). 5 submissions from 5 submitters: Likely pathogenic (3); Uncertain significance (2). Last evaluated 2025-09-30.

Conditions:
Gaucher disease. Also called: Acute cerebral Gaucher disease; Cerebroside lipidosis syndrome; Gaucher splenomegaly; Sphingolipidosis 1; Glucocerebrosidosis; Glucosylceramidase deficiency. Identifiers: Orphanet 355, MedGen C0017205, MONDO:0018150.

Allele frequency attached by ClinVar (database versions not stated): gnomAD exomes below 0.00001; TOPMed below 0.00001; gnomAD 0.00001.
gnomAD v4.1: 2 of 1,575,008 alleles (0.00013%); highest among the groups gnomAD compares: African/African-American, 0.0014%; no homozygotes.

Submissions (5):

Natera, Inc.
Classification: Likely pathogenic for Gaucher disease. Last evaluated: 2025-09-30. Review status: criteria provided, single submitter. Criteria: Natera Variant Classification Schema (03/2026). Collection method: clinical testing. Allele origin: germline.
Comment: The c.593C>T variant in GBA1 is a missense variant predicted to cause substitution of proline to leucine at amino acid 198. This variant is rare in the general population with a frequency below the threshold expected for the associated phenotype(s). This variant has been observed in one or more individuals affected with the associated recessive disease, as either homozygous or compound heterozygous with a second variant (PMID: 9554454). This variant has been identified in one or more affected individuals with a phenotype highly consistent with the associated gene (PMID: 9554454). A different variant at the same position has been determined to be Pathogenic or Likely Pathogenic. Computational prediction algorithms indicate this variant is likely to affect gene or protein function. Given the available evidence, this variant is classified as Likely Pathogenic.

Women's Health and Genetics/Laboratory Corporation of America, LabCorp
Classification: Uncertain significance. Last evaluated: 2024-04-18. Review status: criteria provided, single submitter. Criteria: LabCorp Variant Classification Summary - May 2015. Collection method: clinical testing. Allele origin: germline.
Comment: Variant summary: GBA1 c.593C>T (p.Pro198Leu), also reported as "P159L", results in a non-conservative amino acid change located in the Glycosyl hydrolase family 30, TIM-barrel domain (IPR033453) of the encoded protein sequence. Five of five in-silico tools predict a damaging effect of the variant on protein function. The variant allele was found at a frequency of 2e-06 in 983702 control chromosomes. c.593C>T has been reported as homozygous in the literature in at least one individual affected with type 1 Gaucher Disease (Demina_1998, Petrides_1998). It has also been reported in the heterozygous state in at least one individual with Parkinson's disease (Peterschmitt_2022). These data indicate that the variant may be associated with disease. At least one publication reports that patient cells had ~39% beta-glucocerebrosidase activity vs. control cell minimums (Petrides_1998). The following publications have been ascertained in the context of this evaluation (PMID: 9554454, 34897099, 9723584, 24022302, 12204005). ClinVar contains an entry for this variant (Variation ID: 1162851). Based on the evidence outlined above, the variant was classified as VUS-possibly pathogenic.

GeneDx
Classification: Likely pathogenic. Last evaluated: 2024-02-22. Review status: criteria provided, single submitter. Criteria: GeneDx Variant Classification Process June 2021. Collection method: clinical testing. Allele origin: germline. Affected: yes.
Comment: In vitro assays support that this variant results in impaired beta-glucocerebrosidase binding with the lysosomal integral membrane protein type-2 (LIMP-2) resulting in defective intercellular targeting to lysosomes. (PMID: 27001828); Not observed at significant frequency in large population cohorts (gnomAD); In silico analysis supports that this missense variant has a deleterious effect on protein structure/function; Also known as p.(P159L); This variant is associated with the following publications: (PMID: 9516376, 9554454, 27001828)

Revvity Omics, Revvity
Classification: Uncertain significance. Last evaluated: 2020-06-04. Review status: criteria provided, single submitter. Criteria: ACMG Guidelines, 2015. Collection method: clinical testing. Allele origin: germline.

Mayo Clinic Laboratories, Mayo Clinic
Classification: Likely pathogenic. Last evaluated: 2020-02-13. Review status: criteria provided, single submitter. Criteria: ACMG Guidelines, 2015. Collection method: clinical testing. Allele origin: germline. Observed: 1 variant allele.
Comment: PS3, PM2, PM5

Literature cited by the submitters: PubMed 9554454 (cited by 3 submitters); PubMed 34897099 (cited by Women's Health and Genetics/Laboratory Corporation of America, LabCorp); PubMed 9723584 (cited by Women's Health and Genetics/Laboratory Corporation of America, LabCorp); PubMed 9516376 (cited by Mayo Clinic Laboratories, Mayo Clinic); PubMed 27001828 (cited by Mayo Clinic Laboratories, Mayo Clinic).

NM_000157.4(GBA1):c.593C>T (p.Pro198Leu)

Genes: GBA1 (glucosylceramidase beta 1; minus strand), LOC106627981 (GBA recombination region; plus strand). Cytogenetic location: 1q22.
Variant type: single nucleotide variant.
Coding change: c.593C>T on transcript NM_000157.4 (MANE Select); coding-DNA position 593, C replaced by T.
Protein change: p.Pro198Leu; replaces proline 198 with leucine.
Molecular consequence: missense variant.
Genome position (GRCh38, 1-based): chr1:155,238,302, G>A on the plus strand (C>T on the coding strand, the complement: GBA1 is on the minus strand). VCF-style: chr1-155238302-G-A. GRCh37 (hg19) VCF-style: chr1-155208093-G-A.
Other names: c.593C>T (NM_001005741.2); c.593C>T, p.Pro198Leu (NM_001005741.3, NM_001005742.3); c.332C>T, p.Pro111Leu (NM_001171811.2); c.446C>T, p.Pro149Leu (NM_001171812.2); short protein forms P111L, P149L, P198L.
Identifiers: ClinVar variation 1162851 (VCV001162851.11), dbSNP rs80222298, ClinGen allele CA30895608.
Genomic context (GRCh38, chr1:155,238,302, plus strand): 5'-CAGGGGCTGGCAAGGAGTGAAACGGGACGCTGGGCCAACTGCAGGGCTCGGTGAATCAGG[G>A]GTATCTAGAGACAAAGGTAGTGAAGAGAGAAGCACCCAGAGTTGGAACACATACTAGCCC-3'
Protein context (NP_000148.2, residues 188-208): LPEEDTKLKI[Pro198Leu]LIHRALQLAQ